The following is an entry in ClinVar:

NM_001290043.2(TAP2):c.1024G>A (p.Val342Ile)

Gene: TAP2 (transporter 2, ATP binding cassette subfamily B member; minus strand). Cytogenetic location: 6p21.32.
Variant type: single nucleotide variant.
Coding change: c.1024G>A on transcript NM_001290043.2 (MANE Select); coding-DNA position 1024, G replaced by A.
Protein change: p.Val342Ile; replaces valine 342 with isoleucine.
Molecular consequence: missense variant.
Genome position (GRCh38, 1-based): chr6:32,832,746, C>T on the plus strand (G>A on the coding strand, the complement: TAP2 is on the minus strand). VCF-style: chr6-32832746-C-T. GRCh37 (hg19) VCF-style: chr6-32800523-C-T.
Other names: c.1024G>A, p.Val342Ile (NM_000544.3, NM_018833.3); short protein forms V342I.
Identifiers: ClinVar variation 1418971 (VCV001418971.7), dbSNP rs752560617, ClinGen allele CA3746013.
Genomic context (GRCh38, chr6:32,832,746, plus strand): 5'-ATTGTTCAAGGGCCTCTTTATAGCGACAGACTTCATGCTCCTCGGCCCCAAAACTGCGAA[C>T]GGTCTGCAGCCCTCCAACGGCTTCCCGCACCACCTGCCCCGCCCTGGCCACTGCATCCTG-3'
Protein context (NP_001276972.1, residues 332-352): VREAVGGLQT[Val342Ile]RSFGAEEHEV

ClinVar aggregate classification (germline): Uncertain significance (1 of 4 stars; one submission).

Conditions:
MHC class I deficiency. Identifiers: Orphanet 34592, MedGen C6024714, MONDO:0011476.

Allele frequency attached by ClinVar (database versions not stated): TOPMed 0.00002; ExAC 0.00003; gnomAD 0.00001.
gnomAD v4.1: 43 of 1,613,000 alleles (0.0027%); highest among the groups gnomAD compares: Non-Finnish European, 0.0033%; no homozygotes.

Submission:

Labcorp Genetics (formerly Invitae), Labcorp
Classification: Uncertain significance for MHC class I deficiency 1. Last evaluated: 2022-01-06. Review status: criteria provided, single submitter. Criteria: Invitae Variant Classification Sherloc (09022015). Collection method: clinical testing. Allele origin: germline.
Comment: In summary, the available evidence is currently insufficient to determine the role of this variant in disease. Therefore, it has been classified as a Variant of Uncertain Significance. Algorithms developed to predict the effect of missense changes on protein structure and function are either unavailable or do not agree on the potential impact of this missense change (SIFT: "Tolerated"; PolyPhen-2: "Not Available"; Align-GVGD: "Class C0"). This sequence change replaces valine, which is neutral and non-polar, with isoleucine, which is neutral and non-polar, at codon 342 of the TAP2 protein (p.Val342Ile). This variant is present in population databases (rs752560617, gnomAD 0.01%). This variant has not been reported in the literature in individuals affected with TAP2-related conditions.